The following is an entry in ClinVar:

NM_004186.5(SEMA3F):c.1947+9C>T

Gene: SEMA3F (semaphorin 3F; plus strand). Cytogenetic location: 3p21.31.
Variant type: single nucleotide variant.
Coding change: c.1947+9C>T on transcript NM_004186.5 (MANE Select); 9 bases into the intron after coding-DNA position 1947, C replaced by T.
Molecular consequence: intron variant.
Genome position (GRCh38, 1-based): chr3:50,186,755, C>T. VCF-style: chr3-50186755-C-T. GRCh37 (hg19) VCF-style: chr3-50224188-C-T.
Other names: c.1650+9C>T (NM_001318798.2); c.1854+9C>T (NM_001318800.2).
Identifiers: ClinVar variation 3347867 (VCV003347867.1).

ClinVar aggregate classification (germline): Likely benign (0 of 4 stars; one submission).

Conditions:
SEMA3F-related disorder. Also called: SEMA3F-related condition.

Submission:

PreventionGenetics, part of Exact Sciences
Classification: Likely benign for SEMA3F-related condition. Last evaluated: 2024-08-23. Review status: no assertion criteria provided. Collection method: clinical testing. Allele origin: germline.
Comment: This variant is classified as likely benign based on ACMG/AMP sequence variant interpretation guidelines (Richards et al. 2015 PMID: 25741868, with internal and published modifications).